The following is an entry in ClinVar:

NM_006648.4(WNK2):c.4427C>T (p.Pro1476Leu)

Gene: WNK2 (WNK lysine deficient protein kinase 2; plus strand). Cytogenetic location: 9q22.31.
Variant type: single nucleotide variant.
Coding change: c.4427C>T on transcript NM_006648.4 (MANE Select); coding-DNA position 4427, C replaced by T.
Protein change: p.Pro1476Leu; replaces proline 1476 with leucine.
Molecular consequence: missense variant.
Genome position (GRCh38, 1-based): chr9:93,289,181, C>T. VCF-style: chr9-93289181-C-T. GRCh37 (hg19) VCF-style: chr9-96051463-C-T.
Other names: c.4538C>T, p.Pro1513Leu (NM_001282394.3); short protein forms P1476L, P1513L.
Identifiers: ClinVar variation 3470380 (VCV003470380.1).
Genomic context (GRCh38, chr9:93,289,181, plus strand): 5'-GCACTCCAGCTCCAGAGGCTGCCTCAACCAGGGACGCCAGTGCCCCAAGGGAGCCCCTGC[C>T]ACCTCCTGCACCTGAGCCCAGCCCCCACAGCGGGACCCCACAGCCCGCCTTGGGTCAACC-3'
Protein context (NP_006639.3, residues 1466-1486): RDASAPREPL[Pro1476Leu]PPAPEPSPHS

ClinVar aggregate classification (germline): Uncertain significance (1 of 4 stars; one submission).

gnomAD v4.1: 4 of 1,599,972 alleles (0.00025%); highest among the groups gnomAD compares: Middle Eastern, 0.017%; no homozygotes.

Submission:

Ambry Genetics
Classification: Uncertain significance. Last evaluated: 2024-11-24. Review status: criteria provided, single submitter. Criteria: Ambry Variant Classification Scheme 2023. Collection method: clinical testing. Allele origin: germline.
Comment: The p.P1476L variant (also known as c.4427C>T), located in coding exon 19 of the WNK2 gene, results from a C to T substitution at nucleotide position 4427. The proline at codon 1476 is replaced by leucine, an amino acid with similar properties. This amino acid position is conserved. In addition, this alteration is predicted to be tolerated by in silico analysis. Based on the available evidence, the clinical significance of this variant remains unclear.